The following is an entry in ClinVar:

NM_001371596.2(MFSD8):c.863+1del

Gene: MFSD8 (major facilitator superfamily domain containing 8; minus strand). Cytogenetic location: 4q28.2.
Variant type: Deletion.
Coding change: c.863+1del on transcript NM_001371596.2 (MANE Select); the canonical splice donor site of the intron after coding-DNA position 863, one base deleted (G; older notation c.863+1delG).
Molecular consequence: splice donor variant.
Genome position (GRCh38, 1-based): chr4:127,932,984, C deleted on the plus strand (G on the coding strand, the reverse complement: MFSD8 is on the minus strand). VCF-style (leftmost placement, unchanged base first): chr4-127932983-AC-A. GRCh37 (hg19) VCF-style: chr4-128854138-AC-A.
Other names: c.581+1del (NM_001371595.1); c.413+1del (NM_001410765.1); c.728+1del (NM_001371590.2); c.863+1del (NM_152778.4, NM_001371591.2); c.548+1del (NM_001363521.3); c.749+1del (NM_001410766.1, NM_001371593.2); c.662+1del (NM_001363520.3); c.716+1del (NM_001371594.2); and 1 more.
Identifiers: ClinVar variation 2718835 (VCV002718835.3), dbSNP rs2523394249, ClinGen allele CA2697546929.

ClinVar aggregate classification (germline): Likely pathogenic (1 of 4 stars; one submission).

Conditions:
Neuronal ceroid lipofuscinosis 7 (CLN7). Also called: MFSD8-Related Neuronal Ceroid-Lipofuscinosis. Identifiers: Orphanet 168491, Orphanet 228366, MedGen C1838571, MONDO:0012588, OMIM 610951.

Submission:

Labcorp Genetics (formerly Invitae), Labcorp
Classification: Likely pathogenic for Neuronal ceroid lipofuscinosis 7. Last evaluated: 2025-07-22. Review status: criteria provided, single submitter. Criteria: Invitae Variant Classification Sherloc (09022015). Collection method: clinical testing. Allele origin: germline.
Comment: This sequence change affects a splice site in intron 9 of the MFSD8 gene. It is expected to disrupt RNA splicing. Variants that disrupt the donor or acceptor splice site typically lead to a loss of protein function (PMID: 16199547), and loss-of-function variants in MFSD8 are known to be pathogenic (PMID: 19177532, 25227500, 28586915). This variant is not present in population databases (gnomAD no frequency). This variant has not been reported in the literature in individuals affected with MFSD8-related conditions. ClinVar contains an entry for this variant (Variation ID: 2718835). Algorithms developed to predict the effect of sequence changes on RNA splicing suggest that this variant may disrupt the consensus splice site. In summary, the currently available evidence indicates that the variant is pathogenic, but additional data are needed to prove that conclusively. Therefore, this variant has been classified as Likely Pathogenic.

Literature cited by the submitters: PubMed 16199547; PubMed 19177532; PubMed 25227500; PubMed 28586915.